The following is an entry in ClinVar:

NM_012210.4(TRIM32):c.234C>T (p.Asp78=)

Genes: ASTN2 (astrotactin 2; minus strand), TRIM32 (tripartite motif containing 32; plus strand). Cytogenetic location: 9q33.1.
Variant type: single nucleotide variant.
Coding change: c.234C>T on transcript NM_012210.4 (MANE Select); coding-DNA position 234, C replaced by T.
Protein change: p.Asp78=; no amino-acid change (aspartic acid 78 retained).
Molecular consequence: synonymous variant. On other transcripts: intron variant (3).
Genome position (GRCh38, 1-based): chr9:116,697,976, C>T. VCF-style: chr9-116697976-C-T. GRCh37 (hg19) VCF-style: chr9-119460255-C-T.
Other names: c.234C>T, p.Asp78= (NM_001099679.2, NM_001379048.1, NM_001379049.1 and 1 more transcripts); c.2653+27795G>A (NM_014010.5); c.2794+27795G>A (NM_001365069.1); c.2806+27795G>A (NM_001365068.1).
Identifiers: ClinVar variation 4724928 (VCV004724928.2).

ClinVar aggregate classification (germline): Likely benign. Review status: criteria provided, multiple submitters, no conflicts (2 of 4 stars). 2 submissions from 2 submitters: Likely benign (2). Last evaluated 2025-08-17.

Conditions:
TRIM32-related disorder. Also called: TRIM32-related condition.
Bardet-Biedl syndrome (BBS). Identifiers: Orphanet 110, MedGen C0752166, MONDO:0015229.

gnomAD v4.1: 1 of 1,614,226 alleles (0.000062%); highest among the groups gnomAD compares: African/African-American, 0.0013%; no homozygotes.

Submissions (2):

Labcorp Genetics (formerly Invitae), Labcorp
Classification: Likely benign for Bardet-Biedl syndrome. Last evaluated: 2025-08-17. Review status: criteria provided, single submitter. Criteria: Invitae Variant Classification Sherloc (09022015). Collection method: clinical testing. Allele origin: germline.

PreventionGenetics, part of Exact Sciences
Classification: Likely benign for TRIM32-related condition. Last evaluated: 2025-05-17. Review status: criteria provided, single submitter. Criteria: ACMG Guidelines, 2015. Collection method: clinical testing. Allele origin: germline.
Comment: This variant is classified as likely benign based on ACMG/AMP sequence variant interpretation guidelines (Richards et al. 2015 PMID: 25741868, with internal and published modifications).